The following is an entry in ClinVar:

ClinVar aggregate classification (germline): Pathogenic. Review status: criteria provided, multiple submitters, no conflicts (2 of 4 stars). 2 submissions from 2 submitters: Pathogenic (2). Last evaluated 2026-09-08.

Conditions:
Fabry disease. Also called: ALPHA-GALACTOSIDASE A DEFICIENCY; ANDERSON-FABRY DISEASE; CERAMIDE TRIHEXOSIDASE DEFICIENCY; GLA DEFICIENCY; HEREDITARY DYSTOPIC LIPIDOSIS; Angiokeratoma corporis diffusum. Identifiers: Orphanet 324, MedGen C0002986, MONDO:0010526, OMIM 301500, HP:0001071. Disease mechanism: Fabry disease is due to inactivating mutations in the X-linked GLA gene resulting in deficiency of the enzyme Alpha Galactosidase-A., loss of function.

Submissions (2):

Genomenon, Inc
Classification: Pathogenic for Fabry disease. Last evaluated: 2026-09-08. Review status: criteria provided, single submitter. Criteria: Genomenon Sequence Variant Interpretation Standards - Updated. Collection method: curation. Allele origin: germline. Affected: yes.
Comment: GLA c.639+1G>A is a canonical splice variant affecting the donor splice site of intron 4. It is predicted to affect mRNA splicing, leading to a deleterious effect on the GLA protein. This variant has been observed in at least one proband with clinical features consistent with Fabry disease (PMID:30386727;12938095;28069318). Functional or patient cell studies have been reported (PMID:32432376;12938095;28069318). It is absent or not present at a significant frequency in gnomAD. In conclusion, we classify GLA c.639+1G>A as a pathogenic variant.

Mendelics
Classification: Pathogenic for Fabry disease. Last evaluated: 2026-03-05. Review status: criteria provided, single submitter. Criteria: ACMG Guidelines, 2015. Collection method: clinical testing. Allele origin: unknown.
Comment: Likely pathogenic/Pathogenic according to ACMG criteria.

Literature cited by the submitters: PubMed 30386727 (cited by Genomenon, Inc); PubMed 12938095 (cited by Genomenon, Inc); PubMed 28069318 (cited by Genomenon, Inc); PubMed 32432376 (cited by Genomenon, Inc).

NM_000169.3(GLA):c.639+1G>A

Genes: GLA (galactosidase alpha; minus strand), RPL36A-HNRNPH2 (RPL36A-HNRNPH2 readthrough; plus strand). Cytogenetic location: Xq22.1.
Variant type: single nucleotide variant.
Coding change: c.639+1G>A on transcript NM_000169.3 (MANE Select); the canonical splice donor site of the intron after coding-DNA position 639, G replaced by A.
Molecular consequence: splice donor variant. On other transcripts: intron variant (2).
Genome position (GRCh38, 1-based): chrX:101,400,665, C>T on the plus strand (G>A on the coding strand, the complement: GLA is on the minus strand). VCF-style: chrX-101400665-C-T. GRCh37 (hg19) VCF-style: chrX-100655653-C-T.
Other names: c.300+5208C>T (NM_001199973.2); c.177+8843C>T (NM_001199974.2); c.762+1G>A (NM_001406747.1); c.639+1G>A (NM_001406748.1).
Identifiers: ClinVar variation 4087215 (VCV004087215.3), dbSNP rs869312353.